The following is an entry in ClinVar:

NM_004562.3(PRKN):c.136G>A (p.Ala46Thr)

Gene: PRKN (parkin RBR E3 ubiquitin protein ligase; minus strand). Cytogenetic location: 6q26.
Variant type: single nucleotide variant.
Coding change: c.136G>A on transcript NM_004562.3 (MANE Select); coding-DNA position 136, G replaced by A.
Protein change: p.Ala46Thr; replaces alanine 46 with threonine.
Molecular consequence: missense variant.
Genome position (GRCh38, 1-based): chr6:162,443,345, C>T on the plus strand (G>A on the coding strand, the complement: PRKN is on the minus strand). VCF-style: chr6-162443345-C-T. GRCh37 (hg19) VCF-style: chr6-162864377-C-T.
Other names: p.Ala46Thr; c.136G>A, p.Ala46Thr (NM_013987.3, NM_013988.3); short protein forms A46T.
Identifiers: ClinVar variation 468586 (VCV000468586.42), dbSNP rs75860381, ClinGen allele CA4090502.

ClinVar aggregate classification (germline): Benign/Likely benign. Review status: criteria provided, multiple submitters, no conflicts (2 of 4 stars). 7 submissions from 7 submitters: Benign (2); Likely benign (5). Last evaluated 2026-01-14.

Conditions:
Autosomal recessive juvenile Parkinson disease 2. Also called: PRKN-Related Early-Onset Parkinson Disease; PARKINSON DISEASE, JUVENILE, AUTOSOMAL RECESSIVE; Parkinson disease, juvenile, type 2; Parkinson disease autosomal recessive, early onset; Juvenile parkinsonism; Parkinsonism, early onset, with diurnal fluctuation. Identifiers: Orphanet 2828, MedGen C1868675, MONDO:0010820, OMIM 600116.
Ovarian neoplasm. Also called: Ovarian Neoplasms; Ovarian tumor; Neoplasm of ovary. Identifiers: MedGen C0919267, MeSH D010051, MONDO:0021068, HP:0100615.
Lung cancer. Also called: Malignant tumor of lung; Lung cancer, somatic. Identifiers: MedGen C0242379, MONDO:0008903, OMIM 211980.

Allele frequency attached by ClinVar (database versions not stated): ExAC 0.00182; 1000 Genomes Project 30x 0.00406; 1000 Genomes Project 0.00459; gnomAD 0.00582 and 0.00621; TOPMed 0.00602; ESP Exome Variant Server 0.00707.
gnomAD v4.1: 1,732 of 1,612,992 alleles (0.11%); highest among the groups gnomAD compares: African/African-American, 2.1%; 11 homozygotes.

Submissions (7):

Labcorp Genetics (formerly Invitae), Labcorp
Classification: Benign. Last evaluated: 2026-01-14. Review status: criteria provided, single submitter. Criteria: Invitae Variant Classification Sherloc (09022015). Collection method: clinical testing. Allele origin: germline.

CeGaT Center for Human Genetics Tuebingen
Classification: Likely benign. Last evaluated: 2025-09-01. Review status: criteria provided, single submitter. Criteria: CeGaT Center For Human Genetics Tuebingen Variant Classification Criteria Version 2. Collection method: clinical testing. Allele origin: germline. Affected: yes. Observed: 2 variant alleles.
Comment: PRKN: PM5, BS1

Mayo Clinic Laboratories, Mayo Clinic
Classification: Likely benign. Last evaluated: 2025-03-04. Review status: criteria provided, single submitter. Criteria: ACMG Guidelines, 2015. Collection method: clinical testing. Allele origin: germline. Observed: 1 variant allele.
Comment: BS1, BS2, PP3

Fulgent Genetics
Classification: Likely benign for Ovarian cancer; Lung cancer; Autosomal recessive juvenile Parkinson disease 2. Last evaluated: 2021-10-08. Review status: criteria provided, single submitter. Criteria: ACMG Guidelines, 2015. Collection method: clinical testing. Allele origin: unknown.

Athena Diagnostics
Classification: Likely benign. Last evaluated: 2019-12-13. Review status: criteria provided, single submitter. Criteria: Athena Diagnostics Criteria. Collection method: clinical testing. Allele origin: unknown.

Illumina Laboratory Services, Illumina
Classification: Benign for Autosomal recessive juvenile Parkinson disease 2. Last evaluated: 2017-04-27. Review status: criteria provided, single submitter. Criteria: ICSL Variant Classification Criteria 13 December 2019. Collection method: clinical testing. Allele origin: germline.
Comment: This variant was observed as part of a predisposition screen in an ostensibly healthy population. A literature search was performed for the gene, cDNA change, and amino acid change (where applicable). Publications were found based on this search. The evidence from the literature, in combination with allele frequency data from public databases where available, was sufficient to rule this variant out of causing disease. Therefore, this variant is classified as benign.

Breakthrough Genomics
Classification: Likely benign. Review status: criteria provided, single submitter. Criteria: ACMG Guidelines, 2015. Collection method: not provided. Allele origin: germline. Inheritance: Autosomal recessive inheritance. Affected: yes.

Literature cited by the submitters: PubMed 18927607 (cited by 3 submitters); PubMed 25174650 (cited by Mayo Clinic Laboratories, Mayo Clinic and Athena Diagnostics); PubMed 30994895 (cited by Mayo Clinic Laboratories, Mayo Clinic); PubMed 32613234 (cited by Mayo Clinic Laboratories, Mayo Clinic).